The following is an entry in ClinVar:

NM_020203.6(MEPE):c.214T>C (p.Leu72=)

Genes: MEPE-AS1 (MEPE and IBSP antisense RNA 1; minus strand), MEPE (matrix extracellular phosphoglycoprotein; plus strand). Cytogenetic location: 4q22.1.
Variant type: single nucleotide variant.
Coding change: c.214T>C on transcript NM_020203.6 (MANE Select); coding-DNA position 214, T replaced by C.
Protein change: p.Leu72=; no amino-acid change (leucine 72 retained).
Molecular consequence: synonymous variant. On other transcripts: 5 prime UTR variant (3).
Genome position (GRCh38, 1-based): chr4:87,845,082, T>C. VCF-style: chr4-87845082-T-C. GRCh37 (hg19) VCF-style: chr4-88766234-T-C.
Other names: c.214T>C, p.Leu72= (NM_001184694.3); c.-126T>C (NM_001184695.4, NM_001184696.2, NM_001184697.2); c.307T>C, p.Leu103= (NM_001291183.2).
Identifiers: ClinVar variation 3344372 (VCV003344372.1).

ClinVar aggregate classification (germline): Likely benign (0 of 4 stars; one submission).

Conditions:
MEPE-related disorder. Also called: MEPE-related condition.

Submission:

PreventionGenetics, part of Exact Sciences
Classification: Likely benign for MEPE-related condition. Last evaluated: 2024-08-22. Review status: no assertion criteria provided. Collection method: clinical testing. Allele origin: germline.
Comment: This variant is classified as likely benign based on ACMG/AMP sequence variant interpretation guidelines (Richards et al. 2015 PMID: 25741868, with internal and published modifications).